The following is an entry in ClinVar:

ClinVar aggregate classification (germline): Benign (1 of 4 stars; one submission).

Allele frequency attached by ClinVar (database versions not stated): gnomAD 0.48266 and 0.47929; TOPMed 0.49375; 1000 Genomes Project 0.45268; 1000 Genomes Project 30x 0.46252.
gnomAD v4.1: 73,026 of 152,076 alleles (48%); highest among the groups gnomAD compares: Middle Eastern, 64%; 18,218 homozygotes.

Submission:

GeneDx
Classification: Benign. Last evaluated: 2018-06-19. Review status: criteria provided, single submitter. Criteria: GeneDx Variant Classification (06012015). Collection method: clinical testing. Allele origin: germline. Affected: yes.
Comment: This variant is considered likely benign or benign based on one or more of the following criteria: it is a conservative change, it occurs at a poorly conserved position in the protein, it is predicted to be benign by multiple in silico algorithms, and/or has population frequency not consistent with disease.

NM_001370298.3(FGD4):c.2172+200G>A

Gene: FGD4 (FYVE, RhoGEF and PH domain containing 4; plus strand). Cytogenetic location: 12p11.21.
Variant type: single nucleotide variant.
Coding change: c.2172+200G>A on transcript NM_001370298.3 (MANE Select); 200 bases into the intron after coding-DNA position 2172, G replaced by A.
Molecular consequence: intron variant.
Genome position (GRCh38, 1-based): chr12:32,625,979, G>A. VCF-style: chr12-32625979-G-A. GRCh37 (hg19) VCF-style: chr12-32778913-G-A.
Other names: c.2172+200G>A (NM_001384126.1); c.2016+200G>A (NM_001304481.2); c.1482+200G>A (NM_001330374.2, NM_001330373.2, NM_001384130.1); c.1761+200G>A (NM_139241.3, NM_001384127.1, NM_001385118.1 and 1 more transcripts); c.729+200G>A (NM_001304484.2); c.1209+200G>A (NM_001370297.1); c.1017+200G>A (NM_001304483.2).
Identifiers: ClinVar variation 680168 (VCV000680168.1), dbSNP rs1909510, ClinGen allele CA13645517.